The following is an entry in ClinVar:

NM_000094.4(COL7A1):c.2111T>C (p.Ile704Thr)

Gene: COL7A1 (collagen type VII alpha 1 chain; minus strand). Cytogenetic location: 3p21.31.
Variant type: single nucleotide variant.
Coding change: c.2111T>C on transcript NM_000094.4 (MANE Select); coding-DNA position 2111, T replaced by C.
Protein change: p.Ile704Thr; replaces isoleucine 704 with threonine.
Molecular consequence: missense variant.
Genome position (GRCh38, 1-based): chr3:48,589,658, A>G on the plus strand (T>C on the coding strand, the complement: COL7A1 is on the minus strand). VCF-style: chr3-48589658-A-G. GRCh37 (hg19) VCF-style: chr3-48627091-A-G.
Other names: short protein forms I704T.
Identifiers: ClinVar variation 3011793 (VCV003011793.3), dbSNP rs1332197316, ClinGen allele CA352725504.
Genomic context (GRCh38, chr3:48,589,658, plus strand): 5'-CCGTGGGCTGAGTGCCAGGAAACCCTGTATCCTGTGGCGCCAGGAACCCTGGTCCAGGTA[A>G]TGGTGACAGATGAGCTGCTGGCCTGAGTCACATGGACCGTCCTCACTGGGCCCAGTGGGT-3'
Protein context (NP_000085.1, residues 694-714): VTQASSSSVT[Ile704Thr]TWTRVPGATG

ClinVar aggregate classification (germline): Uncertain significance (1 of 4 stars; one submission).

Submission:

Labcorp Genetics (formerly Invitae), Labcorp
Classification: Uncertain significance. Last evaluated: 2022-12-29. Review status: criteria provided, single submitter. Criteria: Invitae Variant Classification Sherloc (09022015). Collection method: clinical testing. Allele origin: germline.
Comment: This variant is not present in population databases (gnomAD no frequency). This sequence change replaces isoleucine, which is neutral and non-polar, with threonine, which is neutral and polar, at codon 704 of the COL7A1 protein (p.Ile704Thr). This variant has not been reported in the literature in individuals affected with COL7A1-related conditions. In summary, the available evidence is currently insufficient to determine the role of this variant in disease. Therefore, it has been classified as a Variant of Uncertain Significance. Advanced modeling of protein sequence and biophysical properties (such as structural, functional, and spatial information, amino acid conservation, physicochemical variation, residue mobility, and thermodynamic stability) performed at Invitae indicates that this missense variant is not expected to disrupt COL7A1 protein function.